The following is an entry in ClinVar:

NM_001164508.2(NEB):c.9542A>C (p.Asp3181Ala)

Gene: NEB (nebulin; minus strand). Cytogenetic location: 2q23.3.
Variant type: single nucleotide variant.
Coding change: c.9542A>C on transcript NM_001164508.2 (MANE Select); coding-DNA position 9542, A replaced by C.
Protein change: p.Asp3181Ala; replaces aspartic acid 3181 with alanine.
Molecular consequence: missense variant. On other transcripts: intron variant (1).
Genome position (GRCh38, 1-based): chr2:151,631,219, T>G on the plus strand (A>C on the coding strand, the complement: NEB is on the minus strand). VCF-style: chr2-151631219-T-G. GRCh37 (hg19) VCF-style: chr2-152487733-T-G.
Other names: c.9542A>C, p.Asp3181Ala (NM_001164507.2, NM_001271208.2); c.8854-41A>C (NM_004543.5); short protein forms D3181A.
Identifiers: ClinVar variation 571191 (VCV000571191.10), dbSNP rs767042929, ClinGen allele CA1909286.
Genomic context (GRCh38, chr2:151,631,219, plus strand): 5'-GCATTGTTCTTGGCCAGCACCTGCTCTAGAGAATCAGTCACACTGGTAAATTTCAGCTTG[T>G]CCGGAGGCTGGCGGTAGATGTTATCACTCAGTATTTCGGTAGCTCTCTTGCACTTGACCA-3'
Protein context (NP_001157980.2, residues 3171-3191): LSDNIYRQPP[Asp3181Ala]KLKFTSVTDS

ClinVar aggregate classification (germline): Uncertain significance. Review status: criteria provided, multiple submitters, no conflicts (2 of 4 stars). 3 submissions from 3 submitters: Uncertain significance (2). 1 of the submissions does not count toward it. Last evaluated 2024-10-29.

Conditions:
Nemaline myopathy 2 (NEM2). Also called: Nemaline myopathy 2, autosomal recessive. Identifiers: MedGen C1850569, MONDO:0009725, OMIM 256030.

Allele frequency attached by ClinVar (database versions not stated): TOPMed 0.00001.
gnomAD v4.1: 7 of 1,613,892 alleles (0.00043%); highest among the groups gnomAD compares: Admixed American, 0.012%; no homozygotes.

Submissions (3):

Labcorp Genetics (formerly Invitae), Labcorp
Classification: Uncertain significance for Nemaline myopathy 2. Last evaluated: 2024-10-29. Review status: criteria provided, single submitter. Criteria: Invitae Variant Classification Sherloc (09022015). Collection method: clinical testing. Allele origin: germline.
Comment: This sequence change replaces aspartic acid, which is acidic and polar, with alanine, which is neutral and non-polar, at codon 3181 of the NEB protein (p.Asp3181Ala). This variant is present in population databases (rs767042929, gnomAD 0.02%). This variant has not been reported in the literature in individuals affected with NEB-related conditions. ClinVar contains an entry for this variant (Variation ID: 571191). Experimental studies and prediction algorithms are not available or were not evaluated, and the functional significance of this variant is currently unknown. In summary, the available evidence is currently insufficient to determine the role of this variant in disease. Therefore, it has been classified as a Variant of Uncertain Significance.

GeneDx
Classification: Uncertain significance. Last evaluated: 2024-06-13. Review status: criteria provided, single submitter. Criteria: GeneDx Variant Classification Process June 2021. Collection method: clinical testing. Allele origin: germline. Affected: yes.
Comment: In silico analysis indicates that this missense variant does not alter protein structure/function; Has not been previously published as pathogenic or benign to our knowledge

Natera, Inc.
Classification: Uncertain significance for Nemaline myopathy type 2. Last evaluated: 2019-11-11. Review status: no assertion criteria provided. Collection method: clinical testing. Allele origin: germline. Not counted in ClinVar's aggregate classification.